The following is an entry in ClinVar:

NM_000350.3(ABCA4):c.3303G>A (p.Trp1101Ter)

Gene: ABCA4 (ATP binding cassette subfamily A member 4; minus strand). Cytogenetic location: 1p22.1.
Variant type: single nucleotide variant.
Coding change: c.3303G>A on transcript NM_000350.3 (MANE Select); coding-DNA position 3303, G replaced by A.
Protein change: p.Trp1101Ter; replaces tryptophan 1101 with a stop codon.
Molecular consequence: nonsense.
Genome position (GRCh38, 1-based): chr1:94,042,786, C>T on the plus strand (G>A on the coding strand, the complement: ABCA4 is on the minus strand). VCF-style: chr1-94042786-C-T. GRCh37 (hg19) VCF-style: chr1-94508342-C-T.
Other names: c.3081G>A, p.Trp1027Ter (NM_001425324.1); short protein forms W1101*, W1027*.
Identifiers: ClinVar variation 99218 (VCV000099218.7), dbSNP rs61752419, ClinGen allele CA227107.

ClinVar aggregate classification (germline): Pathogenic. Review status: criteria provided, single submitter (1 of 4 stars). 3 submissions from 3 submitters: Pathogenic (1). 2 of the submissions do not count toward it. Last evaluated 2023-04-18.

Conditions:
Retinal dystrophy. Also called: Inherited retinal dystrophy. Identifiers: Orphanet 71862, MedGen C0854723, MeSH D058499, MONDO:0019118, HP:0000556.

Submissions (3):

Labcorp Genetics (formerly Invitae), Labcorp
Classification: Pathogenic. Last evaluated: 2023-04-18. Review status: criteria provided, single submitter. Criteria: Invitae Variant Classification Sherloc (09022015). Collection method: clinical testing. Allele origin: germline.
Comment: For these reasons, this variant has been classified as Pathogenic. ClinVar contains an entry for this variant (Variation ID: 99218). This premature translational stop signal has been observed in individual(s) with ABCA4-related conditions (PMID: 11379881). This variant is not present in population databases (gnomAD no frequency). This sequence change creates a premature translational stop signal (p.Trp1101*) in the ABCA4 gene. It is expected to result in an absent or disrupted protein product. Loss-of-function variants in ABCA4 are known to be pathogenic (PMID: 10958761, 24938718, 25312043, 26780318).

NIHR Bioresource Rare Diseases, University of Cambridge
Classification: Pathogenic for Retinal dystrophy. Last evaluated: 2015-01-01. Review status: no assertion criteria provided. Collection method: research. Allele origin: unknown. Affected: yes. Observed: 1 variant allele. Not counted in ClinVar's aggregate classification.

Retina International
No classification provided. Review status: no classification provided. Collection method: not provided. Allele origin: not provided. Not counted in ClinVar's aggregate classification.

Literature cited by the submitters: PubMed 11379881 (cited by Labcorp Genetics (formerly Invitae), Labcorp and NIHR Bioresource Rare Diseases, University of Cambridge); PubMed 10958761 (cited by Labcorp Genetics (formerly Invitae), Labcorp); PubMed 24938718 (cited by Labcorp Genetics (formerly Invitae), Labcorp); PubMed 25312043 (cited by Labcorp Genetics (formerly Invitae), Labcorp); PubMed 26780318 (cited by Labcorp Genetics (formerly Invitae), Labcorp); PubMed 28041643 (cited by NIHR Bioresource Rare Diseases, University of Cambridge).